The following is an entry in ClinVar:

ClinVar aggregate classification (germline): Uncertain significance. Review status: criteria provided, multiple submitters, no conflicts (2 of 4 stars). 2 submissions from 2 submitters: Uncertain significance (2). Last evaluated 2026-03-06.

Conditions:
RASopathy. Also called: Noonan spectrum disorder; rasopathies. Identifiers: Orphanet 536391, MedGen C5555857, MONDO:0021060.

Submissions (2):

GeneDx
Classification: Uncertain significance. Last evaluated: 2026-03-06. Review status: criteria provided, single submitter. Criteria: GeneDx Variant Classification Process June 2021. Collection method: clinical testing. Allele origin: germline.
Comment: Not observed at significant frequency in large population cohorts (gnomAD); Missense variants in this gene are a common cause of disease and they are underrepresented in the general population; In silico analysis supports that this missense variant has a deleterious effect on protein structure/function; Has not been previously published as pathogenic or benign to our knowledge

Labcorp Genetics (formerly Invitae), Labcorp
Classification: Uncertain significance for RASopathy. Last evaluated: 2017-11-27. Review status: criteria provided, single submitter. Criteria: Invitae Variant Classification Sherloc (09022015). Collection method: clinical testing. Allele origin: germline.
Comment: In summary, the available evidence is currently insufficient to determine the role of this variant in disease. Therefore, it has been classified as a Variant of Uncertain Significance. Algorithms developed to predict the effect of missense changes on protein structure and function do not agree on the potential impact of this missense change (SIFT: "Deleterious"; PolyPhen-2: "Benign"; Align-GVGD: "Class C15"). This variant has not been reported in the literature in individuals with a KRAS-related disease. This variant is not present in population databases (ExAC no frequency). This sequence change replaces leucine with phenylalanine at codon 52 of the KRAS protein (p.Leu52Phe). The leucine residue is highly conserved and there is a small physicochemical difference between leucine and phenylalanine.

NM_033360.4(KRAS):c.154C>T (p.Leu52Phe)

Gene: KRAS (KRas proto-oncogene, GTPase; minus strand). Cytogenetic location: 12p12.1.
Variant type: single nucleotide variant.
Coding change: c.154C>T on transcript NM_033360.4 (MANE Plus Clinical); coding-DNA position 154, C replaced by T.
Protein change: p.Leu52Phe; replaces leucine 52 with phenylalanine.
Molecular consequence: missense variant.
Genome position (GRCh38, 1-based): chr12:25,227,370, G>A on the plus strand (C>T on the coding strand, the complement: KRAS is on the minus strand). VCF-style: chr12-25227370-G-A. GRCh37 (hg19) VCF-style: chr12-25380304-G-A.
Other names: c.154C>T, p.Leu52Phe (NM_001369786.1, NM_001369787.1, NM_004985.5 and 2 more transcripts); c.154C>T (NM_004985.3); short protein forms L52F.
Identifiers: ClinVar variation 543983 (VCV000543983.9), dbSNP rs1555194041, ClinGen allele CA384152302.